The following is an entry in ClinVar:

NM_001330311.2(DVL1):c.1615C>T (p.Pro539Ser)

Gene: DVL1 (dishevelled segment polarity protein 1; minus strand). Cytogenetic location: 1p36.33.
Variant type: single nucleotide variant.
Coding change: c.1615C>T on transcript NM_001330311.2 (MANE Select); coding-DNA position 1615, C replaced by T.
Protein change: p.Pro539Ser; replaces proline 539 with serine.
Molecular consequence: missense variant.
Genome position (GRCh38, 1-based): chr1:1,338,076, G>A on the plus strand (C>T on the coding strand, the complement: DVL1 is on the minus strand). VCF-style: chr1-1338076-G-A. GRCh37 (hg19) VCF-style: chr1-1273456-G-A.
Other names: c.1540C>T, p.Pro514Ser (NM_004421.3); short protein forms P514S, P539S.
Identifiers: ClinVar variation 2102093 (VCV002102093.4), dbSNP rs141914568, ClinGen allele CA337859365.

ClinVar aggregate classification (germline): Uncertain significance (1 of 4 stars; one submission).

gnomAD v4.1: 7 of 1,610,802 alleles (0.00043%); highest among the groups gnomAD compares: Non-Finnish European, 0.00059%; no homozygotes.

Submission:

Labcorp Genetics (formerly Invitae), Labcorp
Classification: Uncertain significance. Last evaluated: 2022-03-17. Review status: criteria provided, single submitter. Criteria: Invitae Variant Classification Sherloc (09022015). Collection method: clinical testing. Allele origin: germline.
Comment: This sequence change replaces proline, which is neutral and non-polar, with serine, which is neutral and polar, at codon 514 of the DVL1 protein (p.Pro514Ser). This variant is not present in population databases (gnomAD no frequency). This variant has not been reported in the literature in individuals affected with DVL1-related conditions. Algorithms developed to predict the effect of missense changes on protein structure and function output the following: SIFT: "Tolerated"; PolyPhen-2: "Not Available"; Align-GVGD: "Class C0". The serine amino acid residue is found in multiple mammalian species, which suggests that this missense change does not adversely affect protein function. In summary, the available evidence is currently insufficient to determine the role of this variant in disease. Therefore, it has been classified as a Variant of Uncertain Significance.